The following is an entry in ClinVar:

ClinVar aggregate classification (germline): Uncertain significance (1 of 4 stars; one submission).

Allele frequency attached by ClinVar (database versions not stated): gnomAD exomes below 0.00001; TOPMed 0.00002; gnomAD 0.00003 and 0.00004.
gnomAD v4.1: 7 of 1,562,814 alleles (0.00045%); highest among the groups gnomAD compares: African/African-American, 0.0014%; no homozygotes.

Submission:

Labcorp Genetics (formerly Invitae), Labcorp
Classification: Uncertain significance. Last evaluated: 2025-05-18. Review status: criteria provided, single submitter. Criteria: Invitae Variant Classification Sherloc (09022015). Collection method: clinical testing. Allele origin: germline.
Comment: This sequence change affects codon 144 of the SAG mRNA. It is a 'silent' change, meaning that it does not change the encoded amino acid sequence of the SAG protein. This variant is not present in population databases (gnomAD no frequency). This variant has not been reported in the literature in individuals affected with SAG-related conditions. ClinVar contains an entry for this variant (Variation ID: 1003589). Algorithms developed to predict the effect of sequence changes on RNA splicing suggest that this variant may disrupt the consensus splice site. In summary, the available evidence is currently insufficient to determine the role of this variant in disease. Therefore, it has been classified as a Variant of Uncertain Significance.

NM_000541.5(SAG):c.432G>T (p.Gly144=)

Gene: SAG (S-antigen visual arrestin; plus strand). Cytogenetic location: 2q37.1.
Variant type: single nucleotide variant.
Coding change: c.432G>T on transcript NM_000541.5 (MANE Select); coding-DNA position 432, G replaced by T.
Protein change: p.Gly144=; no amino-acid change (glycine 144 retained).
Molecular consequence: synonymous variant.
Genome position (GRCh38, 1-based): chr2:233,323,002, G>T. VCF-style: chr2-233323002-G-T. GRCh37 (hg19) VCF-style: chr2-234231648-G-T.
Identifiers: ClinVar variation 1003589 (VCV001003589.6), dbSNP rs1281834521, ClinGen allele CA431823333.